The following is an entry in ClinVar:

NM_014915.3(ANKRD26):c.3566T>C (p.Leu1189Pro)

Gene: ANKRD26 (ankyrin repeat domain 26; minus strand). Cytogenetic location: 10p12.1.
Variant type: single nucleotide variant.
Coding change: c.3566T>C on transcript NM_014915.3 (MANE Select); coding-DNA position 3566, T replaced by C.
Protein change: p.Leu1189Pro; replaces leucine 1189 with proline.
Molecular consequence: missense variant.
Genome position (GRCh38, 1-based): chr10:27,034,884, A>G on the plus strand (T>C on the coding strand, the complement: ANKRD26 is on the minus strand). VCF-style: chr10-27034884-A-G. GRCh37 (hg19) VCF-style: chr10-27323813-A-G.
Other names: c.3563T>C, p.Leu1188Pro (NM_001256053.2); short protein forms L1188P, L1189P.
Identifiers: ClinVar variation 2916187 (VCV002916187.6), dbSNP rs1240482066, ClinGen allele CA376362634.
Genomic context (GRCh38, chr10:27,034,884, plus strand): 5'-TGATACTGTCTTTCTTTTAAGTGATTACATTCACTGATTAACTCCTTATTTCTTTCTTCT[A>G]GCAGAAGACTTTGCTTTTCACTCTCAGCTTGAAGTTTTTGCACAATAGCATGAAACTGGT-3'
Protein context (NP_055730.2, residues 1179-1199): QAESEKQSLL[Leu1189Pro]EERNKELISE

ClinVar aggregate classification (germline): Uncertain significance. Review status: criteria provided, multiple submitters, no conflicts (2 of 4 stars). 3 submissions from 3 submitters: Uncertain significance (3). Last evaluated 2025-06-19.

Conditions:
Inborn genetic diseases. Identifiers: MedGen C0950123, MeSH D030342.
Thrombocytopenia 2 (THC2). Also called: ANKRD26-Related Thrombocytopenia. Identifiers: Orphanet 268322, MedGen C1861185, MONDO:0008555, OMIM 188000.

Allele frequency attached by ClinVar (database versions not stated): gnomAD exomes below 0.00001.
gnomAD v4.1: 2 of 1,613,614 alleles (0.00012%); highest among the groups gnomAD compares: South Asian, 0.0011%; no homozygotes.

Submissions (3):

Labcorp Genetics (formerly Invitae), Labcorp
Classification: Uncertain significance. Last evaluated: 2025-06-19. Review status: criteria provided, single submitter. Criteria: Invitae Variant Classification Sherloc (09022015). Collection method: clinical testing. Allele origin: germline.
Comment: This sequence change replaces leucine, which is neutral and non-polar, with proline, which is neutral and non-polar, at codon 1189 of the ANKRD26 protein (p.Leu1189Pro). This variant is present in population databases (no rsID available, gnomAD 0.003%). This variant has not been reported in the literature in individuals affected with ANKRD26-related conditions. ClinVar contains an entry for this variant (Variation ID: 2916187). An algorithm developed to predict the effect of missense changes on protein structure and function (PolyPhen-2) suggests that this variant is likely to be disruptive. In summary, the available evidence is currently insufficient to determine the role of this variant in disease. Therefore, it has been classified as a Variant of Uncertain Significance.

St. Jude Molecular Pathology, St. Jude Children's Research Hospital
Classification: Uncertain significance for Thrombocytopenia 2. Last evaluated: 2025-06-17. Review status: criteria provided, single submitter. Criteria: St. Jude Assertion Criteria 2020. Collection method: clinical testing. Allele origin: germline.
Comment: The ANKRD26 c.3566T>C p.(Leu1189Pro) missense change has a maximum subpopulation frequency of 0.003% in gnomAD v2.1.1. This variant is not located in the 5' UTR. The in silico tool REVEL predicts a benign effect on protein function, but to our knowledge this prediction has not been confirmed by functional studies. To our knowledge, this variant has not been reported in individuals with ANKRD26-related thrombocytopenia. In summary, the evidence currently available is insufficient to determine the clinical significance of this variant. It has therefore been classified as of uncertain significance.

Ambry Genetics
Classification: Uncertain significance for Inborn genetic diseases. Last evaluated: 2025-02-03. Review status: criteria provided, single submitter. Criteria: Ambry Variant Classification Scheme 2023. Collection method: clinical testing. Allele origin: germline.
Comment: The p.L1189P variant (also known as c.3566T>C), located in coding exon 24 of the ANKRD26 gene, results from a T to C substitution at nucleotide position 3566. The leucine at codon 1189 is replaced by proline, an amino acid with similar properties. This amino acid position is conserved. In addition, this alteration is predicted to be tolerated by in silico analysis. Based on the available evidence, the clinical significance of this variant remains unclear.